The following is an entry in ClinVar:

ClinVar aggregate classification (germline): Uncertain significance (1 of 4 stars; one submission).

Conditions:
Hereditary cancer-predisposing syndrome. Also called: Neoplastic Syndromes, Hereditary; Tumor predisposition; Hereditary neoplastic syndrome; Hereditary Cancer Syndrome. Identifiers: Orphanet 140162, MedGen C0027672, MeSH D009386, MONDO:0015356.
Cardiovascular phenotype. Identifiers: MedGen CN230736.

Submission:

Ambry Genetics
Classification: Uncertain significance for Cardiovascular phenotype; Hereditary cancer-predisposing syndrome. Last evaluated: 2023-04-07. Review status: criteria provided, single submitter. Criteria: Ambry Variant Classification Scheme 2023. Collection method: clinical testing. Allele origin: germline.
Comment: The p.H52R variant (also known as c.155A>G), located in coding exon 1 of the LZTR1 gene, results from an A to G substitution at nucleotide position 155. The histidine at codon 52 is replaced by arginine, an amino acid with highly similar properties. This amino acid position is conserved. In addition, the in silico prediction for this alteration is inconclusive. Since supporting evidence is limited at this time, the clinical significance of this alteration remains unclear.

NM_006767.4(LZTR1):c.155A>G (p.His52Arg)

Gene: LZTR1 (leucine zipper like post translational regulator 1; plus strand). Cytogenetic location: 22q11.21.
Variant type: single nucleotide variant.
Coding change: c.155A>G on transcript NM_006767.4 (MANE Select); coding-DNA position 155, A replaced by G.
Protein change: p.His52Arg; replaces histidine 52 with arginine.
Molecular consequence: missense variant.
Genome position (GRCh38, 1-based): chr22:20,982,526, A>G. VCF-style: chr22-20982526-A-G. GRCh37 (hg19) VCF-style: chr22-21336815-A-G.
Other names: short protein forms H52R.
Identifiers: ClinVar variation 3238098 (VCV003238098.1), dbSNP rs768024666.